The following is an entry in ClinVar:

ClinVar aggregate classification (germline): Pathogenic. Review status: criteria provided, multiple submitters, no conflicts (2 of 4 stars). 2 submissions from 2 submitters: Pathogenic (2). Last evaluated 2020-04-24.

Conditions:
Cardiovascular phenotype. Identifiers: MedGen CN230736.
Telangiectasia, hereditary hemorrhagic, type 2 (HHT2). Also called: ACVRL1-Related Hereditary Hemorrhagic Telangiectasia; Telangiectasia, hereditary hemorrhagic, type II. Identifiers: Orphanet 774, MedGen C1838163, MONDO:0010880, OMIM 600376. Disease mechanism: loss of function.

Submissions (2):

Labcorp Genetics (formerly Invitae), Labcorp
Classification: Pathogenic for Telangiectasia, hereditary hemorrhagic, type 2. Last evaluated: 2020-04-24. Review status: criteria provided, single submitter. Criteria: Invitae Variant Classification Sherloc (09022015). Collection method: clinical testing. Allele origin: germline.
Comment: This sequence change creates a premature translational stop signal (p.Pro39Thrfs*129) in the ACVRL1 gene. It is expected to result in an absent or disrupted protein product. For these reasons, this variant has been classified as Pathogenic. Loss-of-function variants in ACVRL1 are known to be pathogenic (PMID: 15879500). This variant has not been reported in the literature in individuals with ACVRL1-related conditions. This variant is not present in population databases (ExAC no frequency).

Ambry Genetics
Classification: Pathogenic for Cardiovascular phenotype. Last evaluated: 2016-02-16. Review status: criteria provided, single submitter. Criteria: Ambry Variant Classification Scheme 2023. Collection method: clinical testing. Allele origin: germline.
Comment: The c.115_116delCC pathogenic mutation, located in coding exon 2 of the ACVRL1 gene, results from a deletion of two nucleotides between positions 115 and 116, causing a translational frameshift with a predicted alternate stop codon (p.P39Tfs*129). Since frameshifts are typically deleterious in nature, this alteration is interpreted as a disease-causing mutation (ACMG Recommendations for Standards for Interpretation and Reporting of Sequence Variations. Revision 2007. Genet Med. 2008;10:294).

Literature cited by the submitters: PubMed 15879500 (cited by Labcorp Genetics (formerly Invitae), Labcorp).

NM_000020.3(ACVRL1):c.115_116del (p.Pro39fs)

Gene: ACVRL1 (activin A receptor like type 1; plus strand). Cytogenetic location: 12q13.13.
Variant type: Deletion.
Coding change: c.115_116del on transcript NM_000020.3 (MANE Select); coding-DNA positions 115 to 116, 2 bases deleted (CC; older notation c.115_116delCC).
Protein change: p.Pro39fs; shifts the reading frame from proline 39.
Molecular consequence: frameshift variant.
Genome position (GRCh38, 1-based): chr12:51,913,152-51,913,153, CC deleted; deleting any 2 consecutive bases within chr12:51,913,151-51,913,153 gives the same sequence; the c. name uses the placement nearest the transcript's 3' end. VCF-style (leftmost placement, unchanged base first): chr12-51913150-GCC-G. GRCh37 (hg19) VCF-style: chr12-52306934-GCC-G.
Other names: c.115_116del, p.Pro39fs (NM_001077401.2); short protein forms P39fs.
Identifiers: ClinVar variation 1072776 (VCV001072776.9), dbSNP rs2139064475, ClinGen allele CA2499221743.